The following is an entry in ClinVar:

ClinVar aggregate classification (germline): Benign/Likely benign. Review status: criteria provided, multiple submitters, no conflicts (2 of 4 stars). 5 submissions from 5 submitters: Benign (1); Likely benign (3). 1 of the submissions does not count toward it. Last evaluated 2024-05-20.

Conditions:
Ataxia-telangiectasia syndrome (AT). Also called: Ataxia telangiectasia (A-T); Cerebello-oculocutaneous telangiectasia; Immunodeficiency with ataxia telangiectasia; LOUIS-BAR SYNDROME; ATAXIA-TELANGIECTASIA, FRESNO VARIANT; Ataxia-telangiectasia, complementation group D. Identifiers: Orphanet 100, MedGen C0004135, MONDO:0008840, OMIM 208900.
Hereditary cancer-predisposing syndrome. Also called: Tumor predisposition; Hereditary Cancer Syndrome; Neoplastic Syndromes, Hereditary; Hereditary neoplastic syndrome. Identifiers: Orphanet 140162, MedGen C0027672, MeSH D009386, MONDO:0015356.
Familial cancer of breast. Also called: Hereditary breast cancer; BREAST CANCER, FAMILIAL; hereditary breast carcinoma. Identifiers: Orphanet 227535, MedGen C0346153, MONDO:0016419, OMIM 114480. Disease mechanism: loss of function.

Submissions (5):

Myriad Genetics, Inc.
Classification: Benign for Familial cancer of breast. Last evaluated: 2024-05-20. Review status: criteria provided, single submitter. Criteria: Myriad Autosomal Dominant, Autosomal Recessive and X-Linked Classification Criteria (2023). Collection method: clinical testing. Allele origin: unknown.
Comment: This variant is considered benign. This variant is a silent/synonymous amino acid change and it is not expected to impact splicing.

Labcorp Genetics (formerly Invitae), Labcorp
Classification: Likely benign for Ataxia-telangiectasia syndrome. Last evaluated: 2022-08-16. Review status: criteria provided, single submitter. Criteria: Invitae Variant Classification Sherloc (09022015). Collection method: clinical testing. Allele origin: germline.

Color Diagnostics, LLC DBA Color Health
Classification: Likely benign for Hereditary cancer-predisposing syndrome. Last evaluated: 2022-02-07. Review status: criteria provided, single submitter. Criteria: ACMG Guidelines, 2015. Collection method: clinical testing. Allele origin: germline.

Ambry Genetics
Classification: Likely benign for Hereditary cancer-predisposing syndrome. Last evaluated: 2015-12-29. Review status: criteria provided, single submitter. Criteria: Ambry Variant Classification Scheme 2023. Collection method: clinical testing. Allele origin: germline.

Natera, Inc.
Classification: Uncertain significance for Ataxia-telangiectasia. Last evaluated: 2025-04-15. Review status: no assertion criteria provided. Collection method: clinical testing. Allele origin: germline. Not counted in ClinVar's aggregate classification.

NM_000051.4(ATM):c.4458G>A (p.Val1486=)

Gene: ATM (ATM serine/threonine kinase; plus strand). Cytogenetic location: 11q22.3.
Variant type: single nucleotide variant.
Coding change: c.4458G>A on transcript NM_000051.4 (MANE Select); coding-DNA position 4458, G replaced by A.
Protein change: p.Val1486=; no amino-acid change (valine 1486 retained).
Molecular consequence: synonymous variant.
Genome position (GRCh38, 1-based): chr11:108,292,640, G>A. VCF-style: chr11-108292640-G-A. GRCh37 (hg19) VCF-style: chr11-108163367-G-A.
Other names: c.4458G>A, p.Val1486= (NM_001351834.2).
Identifiers: ClinVar variation 756433 (VCV000756433.12), dbSNP rs1591673788, ClinGen allele CA476674125.